The following is an entry in ClinVar:

NM_006922.4(SCN3A):c.5780A>C (p.Tyr1927Ser)

Gene: SCN3A (sodium voltage-gated channel alpha subunit 3; minus strand). Cytogenetic location: 2q24.3.
Variant type: single nucleotide variant.
Coding change: c.5780A>C on transcript NM_006922.4 (MANE Select); coding-DNA position 5780, A replaced by C.
Protein change: p.Tyr1927Ser; replaces tyrosine 1927 with serine.
Molecular consequence: missense variant.
Genome position (GRCh38, 1-based): chr2:165,090,373, T>G on the plus strand (A>C on the coding strand, the complement: SCN3A is on the minus strand). VCF-style: chr2-165090373-T-G. GRCh37 (hg19) VCF-style: chr2-165946883-T-G.
Other names: c.5633A>C, p.Tyr1878Ser (NM_001081676.2, NM_001081677.2); short protein forms Y1878S, Y1927S.
Identifiers: ClinVar variation 3369549 (VCV003369549.1).
Genomic context (GRCh38, chr2:165,090,373, plus strand): 5'-TCAATAATCATGTCTTGTTTTATAGGTAAGTCAATCCTCCCTTTAATTGCCTCTTTGTTA[T>G]AGTTACTTGATATATTTTTTAACCTTTGCTTTAAAAGATAACATCTGAAATTACGCTGAA-3'
Protein context (NP_008853.3, residues 1917-1937): KQRLKNISSN[Tyr1927Ser]NKEAIKGRID

ClinVar aggregate classification (germline): Uncertain significance (1 of 4 stars; one submission).

Submission:

GeneDx
Classification: Uncertain significance. Last evaluated: 2024-02-20. Review status: criteria provided, single submitter. Criteria: GeneDx Variant Classification Process June 2021. Collection method: clinical testing. Allele origin: germline. Affected: yes.
Comment: Not observed at significant frequency in large population cohorts (gnomAD); In silico analysis supports that this missense variant has a deleterious effect on protein structure/function; Has not been previously published as pathogenic or benign to our knowledge